The following is an entry in ClinVar:

NM_001365951.3(KIF1B):c.2809G>C (p.Glu937Gln)

Genes: KIF1B (kinesin family member 1B; plus strand), LOC126805614 (BRD4-independent group 4 enhancer GRCh37_chr1:10385546-10386745; plus strand). Cytogenetic location: 1p36.22.
Variant type: single nucleotide variant.
Coding change: c.2809G>C on transcript NM_001365951.3 (MANE Select); coding-DNA position 2809, G replaced by C.
Protein change: p.Glu937Gln; replaces glutamic acid 937 with glutamine.
Molecular consequence: missense variant.
Genome position (GRCh38, 1-based): chr1:10,326,244, G>C. VCF-style: chr1-10326244-G-C. GRCh37 (hg19) VCF-style: chr1-10386302-G-C.
Other names: c.2809G>C, p.Glu937Gln (NM_001365952.1); c.2671G>C, p.Glu891Gln (NM_015074.3); short protein forms E891Q, E937Q.
Identifiers: ClinVar variation 4858864 (VCV004858864.1).

ClinVar aggregate classification (germline): Uncertain significance (1 of 4 stars; one submission).

Submission:

Ambry Genetics
Classification: Uncertain significance. Last evaluated: 2026-05-15. Review status: criteria provided, single submitter. Criteria: Ambry Variant Classification Scheme 2023. Collection method: clinical testing. Allele origin: germline.
Comment: The p.E891Q variant (also known as c.2671G>C), located in coding exon 24 of the KIF1B gene, results from a G to C substitution at nucleotide position 2671. The glutamic acid at codon 891 is replaced by glutamine, an amino acid with highly similar properties. This amino acid position is conserved. In addition, the in silico prediction for this alteration is inconclusive. Based on the available evidence, the clinical significance of this variant remains unclear.